The following is an entry in ClinVar:

ClinVar aggregate classification (germline): Uncertain significance (1 of 4 stars; one submission).

Allele frequency attached by ClinVar (database versions not stated): gnomAD exomes 0.00001.
gnomAD v4.1: 4 of 1,614,064 alleles (0.00025%); highest among the groups gnomAD compares: Non-Finnish European, 0.00034%; no homozygotes.

Submission:

Labcorp Genetics (formerly Invitae), Labcorp
Classification: Uncertain significance. Last evaluated: 2024-02-24. Review status: criteria provided, single submitter. Criteria: Invitae Variant Classification Sherloc (09022015). Collection method: clinical testing. Allele origin: germline.
Comment: This sequence change replaces leucine, which is neutral and non-polar, with methionine, which is neutral and non-polar, at codon 16 of the TYRP1 protein (p.Leu16Met). This variant is not present in population databases (gnomAD no frequency). This variant has not been reported in the literature in individuals affected with TYRP1-related conditions. ClinVar contains an entry for this variant (Variation ID: 2039284). Advanced modeling of protein sequence and biophysical properties (such as structural, functional, and spatial information, amino acid conservation, physicochemical variation, residue mobility, and thermodynamic stability) performed at Invitae indicates that this missense variant is not expected to disrupt TYRP1 protein function with a negative predictive value of 80%. In summary, the available evidence is currently insufficient to determine the role of this variant in disease. Therefore, it has been classified as a Variant of Uncertain Significance.

NM_000550.3(TYRP1):c.46T>A (p.Leu16Met)

Gene: TYRP1 (tyrosinase related protein 1; plus strand). Cytogenetic location: 9p23.
Variant type: single nucleotide variant.
Coding change: c.46T>A on transcript NM_000550.3 (MANE Select); coding-DNA position 46, T replaced by A.
Protein change: p.Leu16Met; replaces leucine 16 with methionine.
Molecular consequence: missense variant.
Genome position (GRCh38, 1-based): chr9:12,694,042, T>A. VCF-style: chr9-12694042-T-A. GRCh37 (hg19) VCF-style: chr9-12694042-T-A.
Other names: short protein forms L16M.
Identifiers: ClinVar variation 2039284 (VCV002039284.3), dbSNP rs1005251566, ClinGen allele CA189304704.
Genomic context (GRCh38, chr9:12,694,042, plus strand): 5'-CTTATTTCAAGCAGAATGAGTGCTCCTAAACTCCTCTCTCTGGGCTGTATCTTCTTCCCC[T>A]TGCTACTTTTTCAGCAGGCCCGGGCTCAATTCCCAAGACAGTGTGCCACTGTTGAGGCTT-3'
Protein context (NP_000541.1, residues 6-26): LLSLGCIFFP[Leu16Met]LLFQQARAQF